The following is an entry in ClinVar:

ClinVar aggregate classification (germline): Uncertain significance (1 of 4 stars; one submission).

Submission:

Labcorp Genetics (formerly Invitae), Labcorp
Classification: Uncertain significance. Last evaluated: 2023-08-02. Review status: criteria provided, single submitter. Criteria: Invitae Variant Classification Sherloc (09022015). Collection method: clinical testing. Allele origin: germline.
Comment: This sequence change replaces glycine, which is neutral and non-polar, with aspartic acid, which is acidic and polar, at codon 34 of the KLB protein (p.Gly34Asp). This variant is present in population databases (no rsID available, gnomAD 0.02%). This variant has not been reported in the literature in individuals affected with KLB-related conditions. An algorithm developed to predict the effect of missense changes on protein structure and function (PolyPhen-2) suggests that this variant is likely to be tolerated. In summary, the available evidence is currently insufficient to determine the role of this variant in disease. Therefore, it has been classified as a Variant of Uncertain Significance.

NM_175737.4(KLB):c.101_102delinsAC (p.Gly34Asp)

Gene: KLB (klotho beta; plus strand). Cytogenetic location: 4p14.
Variant type: Indel.
Coding change: c.101_102delinsAC on transcript NM_175737.4 (MANE Select); coding-DNA positions 101 to 102, GA replaced by AC.
Protein change: p.Gly34Asp; replaces glycine 34 with aspartic acid.
Molecular consequence: missense variant.
Genome position (GRCh38, 1-based): chr4:39,407,050-39,407,051, GA replaced by AC. VCF-style: chr4-39407050-GA-AC. GRCh37 (hg19) VCF-style: chr4-39408670-GA-AC.
Other names: short protein forms G34D.
Identifiers: ClinVar variation 2897205 (VCV002897205.3), dbSNP rs2475746860, ClinGen allele CA2739270049.